The following is an entry in ClinVar:

ClinVar aggregate classification (germline): Conflicting classifications of pathogenicity. Review status: criteria provided, conflicting classifications (1 of 4 stars). 3 submissions from 3 submitters: Uncertain significance (1); Likely benign (1). 1 of the submissions does not count toward it. Last evaluated 2026-01-16.

Conditions:
Inborn genetic diseases. Identifiers: MedGen C0950123, MeSH D030342.
DOCK2 deficiency. Also called: Immunodeficiency 40. Identifiers: Orphanet 447737, MedGen C4225328, MONDO:0014637, OMIM 616433.
DOCK2-related disorder. Also called: DOCK2-related condition.

Allele frequency attached by ClinVar (database versions not stated): gnomAD exomes 0.00015 and 0.00023; ExAC 0.00022; 1000 Genomes Project 0.00060; ESP Exome Variant Server 0.00069; TOPMed 0.00085; 1000 Genomes Project 30x 0.00094; gnomAD 0.00095 and 0.00100.
gnomAD v4.1: 373 of 1,614,192 alleles (0.023%); highest among the groups gnomAD compares: African/African-American, 0.29%; no homozygotes.

Submissions (3):

Labcorp Genetics (formerly Invitae), Labcorp
Classification: Likely benign for DOCK2 deficiency. Last evaluated: 2026-01-16. Review status: criteria provided, single submitter. Criteria: Invitae Variant Classification Sherloc (09022015). Collection method: clinical testing. Allele origin: germline.

Ambry Genetics
Classification: Uncertain significance for Inborn genetic diseases. Last evaluated: 2025-08-03. Review status: criteria provided, single submitter. Criteria: Ambry Variant Classification Scheme 2023. Collection method: clinical testing. Allele origin: germline.

PreventionGenetics, part of Exact Sciences
Classification: Likely benign for DOCK2-related condition. Last evaluated: 2022-02-24. Review status: no assertion criteria provided. Collection method: clinical testing. Allele origin: germline. Not counted in ClinVar's aggregate classification.
Comment: This variant is classified as likely benign based on ACMG/AMP sequence variant interpretation guidelines (Richards et al. 2015 PMID: 25741868, with internal and published modifications).

NM_004946.3(DOCK2):c.2587A>G (p.Lys863Glu)

Gene: DOCK2 (dedicator of cytokinesis 2; plus strand). Cytogenetic location: 5q35.1.
Variant type: single nucleotide variant.
Coding change: c.2587A>G on transcript NM_004946.3 (MANE Select); coding-DNA position 2587, A replaced by G.
Protein change: p.Lys863Glu; replaces lysine 863 with glutamic acid.
Molecular consequence: missense variant. On other transcripts: non-coding transcript variant (1).
Genome position (GRCh38, 1-based): chr5:169,803,090, A>G. VCF-style: chr5-169803090-A-G. GRCh37 (hg19) VCF-style: chr5-169230094-A-G.
Other names: c.2587A>G, p.Lys863Glu (LRG_1227t1); short protein forms K863E.
Identifiers: ClinVar variation 542631 (VCV000542631.15), dbSNP rs141501849, ClinGen allele CA3553801.